The following is an entry in ClinVar:

ClinVar aggregate classification (germline): Uncertain significance. Review status: criteria provided, multiple submitters, no conflicts (2 of 4 stars). 3 submissions from 3 submitters: Uncertain significance (3). Last evaluated 2026-02-09.

Conditions:
CEP290-related disorder. Also called: CEP290-related disorders; CEP290-related condition. Identifiers: MedGen CN239314.

Submissions (3):

PreventionGenetics, part of Exact Sciences
Classification: Uncertain significance for CEP290-related condition. Last evaluated: 2026-02-09. Review status: criteria provided, single submitter. Criteria: ACMG Guidelines, 2015. Collection method: clinical testing. Allele origin: germline.
Comment: The CEP290 c.1066G>A variant is predicted to result in the amino acid substitution p.Gly356Ser. This variant was reported in an individual with polycystic kidney disease; however, this individual already carried a likely causative variant in IFT140 (Senum et al. 2021. PubMed ID: 34890546). This variant is absent from a large population database (gnomAD), indicating this variant is rare. At this time, the clinical significance of this variant is uncertain due to the absence of conclusive functional and genetic evidence.

GeneDx
Classification: Uncertain significance. Last evaluated: 2024-06-26. Review status: criteria provided, single submitter. Criteria: GeneDx Variant Classification Process June 2021. Collection method: clinical testing. Allele origin: germline. Affected: yes.
Comment: Identified in a patient belonging to a cohort of families with autosomal dominant polycystic kidney disease and monoallelic IFT140 pathogenic variants in published literature (PMID: 34890546). The variant is classified as a variant of uncertain significance and listed as a variant of interest; Not observed at significant frequency in large population cohorts (gnomAD); In silico analysis suggests this variant may impact gene splicing. In the absence of RNA/functional studies, the actual effect of this sequence change is unknown.; In silico analysis indicates that this missense variant does not alter protein structure/function; This variant is associated with the following publications: (PMID: 34890546)

Blueprint Genetics
Classification: Uncertain significance. Last evaluated: 2023-12-28. Review status: criteria provided, single submitter. Criteria: ACMG Guidelines, 2015. Collection method: clinical testing. Allele origin: germline.

NM_025114.4(CEP290):c.1066G>A (p.Gly356Ser)

Gene: CEP290 (centrosomal protein 290; minus strand). Cytogenetic location: 12q21.32.
Variant type: single nucleotide variant.
Coding change: c.1066G>A on transcript NM_025114.4 (MANE Select); coding-DNA position 1066, G replaced by A.
Protein change: p.Gly356Ser; replaces glycine 356 with serine.
Molecular consequence: missense variant.
Genome position (GRCh38, 1-based): chr12:88,125,369, C>T on the plus strand (G>A on the coding strand, the complement: CEP290 is on the minus strand). VCF-style: chr12-88125369-C-T. GRCh37 (hg19) VCF-style: chr12-88519146-C-T.
Other names: short protein forms G356S.
Identifiers: ClinVar variation 3392795 (VCV003392795.3).